The following is an entry in ClinVar:

ClinVar aggregate classification (germline): Uncertain significance (1 of 4 stars; one submission).

Conditions:
Leigh syndrome (NULS). Also called: Leigh's necrotizing encephalopathy; Leigh's disease; Leigh Syndrome (mtDNA deletion); Leigh Disease; Subacute necrotizing encephalopathy; Necrotizing encephalopathy infantile subacute of Leigh. Identifiers: Orphanet 506, MedGen C2931891, MONDO:0009723, OMIM 256000.

Submission:

Wong Mito Lab, Molecular and Human Genetics, Baylor College of Medicine
Classification: Uncertain significance for Leigh syndrome. Last evaluated: 2019-10-17. Review status: criteria provided, single submitter. Criteria: Modified ACMG Guidelines (Unpublished). Collection method: clinical testing. Allele origin: germline.
Comment: The NC_012920.1:m.7976G>A (YP_003024029.1:p.Gly131Ser) variant in MTCO2 gene is interpretated to be a Uncertain Significance variant based on the modified ACMG guidelines (unpublished). This variant meets the following evidence codes: PP4

NC_012920.1(MT-CO2):m.7976G>A

Gene: MT-CO2 (mitochondrially encoded cytochrome c oxidase II; plus strand).
Variant type: single nucleotide variant.
Genome position: chrM-7976-G-A.
Identifiers: ClinVar variation 692804 (VCV000692804.1), dbSNP rs377368526, ClinGen allele CA337097733.